The following is an entry in ClinVar:

NM_173630.4(RTTN):c.2323G>A (p.Ala775Thr)

Gene: RTTN (rotatin; minus strand). Cytogenetic location: 18q22.2.
Variant type: single nucleotide variant.
Coding change: c.2323G>A on transcript NM_173630.4 (MANE Select); coding-DNA position 2323, G replaced by A.
Protein change: p.Ala775Thr; replaces alanine 775 with threonine.
Molecular consequence: missense variant. On other transcripts: 5 prime UTR variant (1).
Genome position (GRCh38, 1-based): chr18:70,145,770, C>T on the plus strand (G>A on the coding strand, the complement: RTTN is on the minus strand). VCF-style: chr18-70145770-C-T. GRCh37 (hg19) VCF-style: chr18-67813006-C-T.
Other names: c.-325G>A (NM_001318520.2); short protein forms A775T.
Identifiers: ClinVar variation 1966353 (VCV001966353.5), dbSNP rs2060373881, ClinGen allele CA402694950.

ClinVar aggregate classification (germline): Uncertain significance (1 of 4 stars; one submission).

Allele frequency attached by ClinVar (database versions not stated): gnomAD exomes below 0.00001.
gnomAD v4.1: 1 of 1,608,922 alleles (0.000062%); highest among the groups gnomAD compares: Non-Finnish European, 0.000085%; no homozygotes.

Submission:

Labcorp Genetics (formerly Invitae), Labcorp
Classification: Uncertain significance. Last evaluated: 2022-03-10. Review status: criteria provided, single submitter. Criteria: Invitae Variant Classification Sherloc (09022015). Collection method: clinical testing. Allele origin: germline.
Comment: Algorithms developed to predict the effect of missense changes on protein structure and function are either unavailable or do not agree on the potential impact of this missense change (SIFT: "Deleterious"; PolyPhen-2: "Possibly Damaging"; Align-GVGD: "Class C0"). This sequence change replaces alanine, which is neutral and non-polar, with threonine, which is neutral and polar, at codon 775 of the RTTN protein (p.Ala775Thr). This variant is not present in population databases (gnomAD no frequency). This variant has not been reported in the literature in individuals affected with RTTN-related conditions. In summary, the available evidence is currently insufficient to determine the role of this variant in disease. Therefore, it has been classified as a Variant of Uncertain Significance.